The following is an entry in ClinVar:

NM_000128.4(F11):c.1021G>A (p.Glu341Lys)

Gene: F11 (coagulation factor XI; plus strand). Cytogenetic location: 4q35.2.
Variant type: single nucleotide variant.
Coding change: c.1021G>A on transcript NM_000128.4 (MANE Select); coding-DNA position 1021, G replaced by A.
Protein change: p.Glu341Lys; replaces glutamic acid 341 with lysine.
Molecular consequence: missense variant.
Genome position (GRCh38, 1-based): chr4:186,280,378, G>A. VCF-style: chr4-186280378-G-A. GRCh37 (hg19) VCF-style: chr4-187201532-G-A.
Other names: short protein forms E341K.
Identifiers: ClinVar variation 68170 (VCV000068170.5), dbSNP rs281875270, ClinGen allele CA219096.
Genomic context (GRCh38, chr4:186,280,378, plus strand): 5'-TGCACCAATGCCGTCCGCTGCCAGTTTTTTACCTATACCCCAGCCCAAGCATCCTGCAAC[G>A]AAGGGAAGTAAGCCATATGAAGGGTTATGCAGACACCCTTGTCCCGTCTGCCTGTGAGGT-3'
Protein context (NP_000119.1, residues 331-351): TYTPAQASCN[Glu341Lys]GKGKCYLKLS

ClinVar aggregate classification (germline): Pathogenic/Likely pathogenic. Review status: criteria provided, multiple submitters, no conflicts (2 of 4 stars). 6 submissions from 6 submitters: Pathogenic (1); Likely pathogenic (4). 1 of the submissions does not count toward it. Last evaluated 2026-09-23.

Conditions:
Plasma factor XI deficiency.
F11-related disorder. Also called: F11-related condition.
Hereditary factor XI deficiency disease. Also called: PLASMA THROMBOPLASTIN ANTECEDENT DEFICIENCY; PTA DEFICIENCY; ROSENTHAL SYNDROME; Congenital factor XI deficiency. Identifiers: Orphanet 329, MedGen C0015523, MeSH D005173, MONDO:0012897, OMIM 612416.

Allele frequency attached by ClinVar (database versions not stated): gnomAD 0.00001; ExAC 0.00002; TOPMed 0.00004.
gnomAD v4.1: 17 of 1,614,076 alleles (0.0011%); highest among the groups gnomAD compares: East Asian, 0.0089%; no homozygotes.

Submissions (6):

PreventionGenetics, part of Exact Sciences
Classification: Likely pathogenic for F11-related condition. Last evaluated: 2026-09-23. Review status: criteria provided, single submitter. Criteria: ACMG Guidelines, 2015. Collection method: clinical testing. Allele origin: germline.
Comment: The F11 c.1021G>A variant is predicted to result in the amino acid substitution p.Glu341Lys. This variant, alternatively referred to as p.Glu323Lys using legacy nomenclature, has been reported in the homozygous state or with a second F11 variant in multiple individuals with factor XI deficiency (Pugh et al. 1995. PubMed ID: 7888672; Mitchell et al. 2006. PubMed ID: 16835901; Zucker et al. 2007. PubMed ID: 18024374; Table S2, Shao et al. 2016. PubMed ID: 27067486; Zhang et al. 2020. PubMed ID: 32464451). Moreover, this variant has also been observed in the heterozygous state in individuals with factor XI deficiency (Peretz et al. 2013. PubMed ID: 23332144; Table S2, Shao et al. 2016. PubMed ID: 27067486; Zhang et al. 2020. PubMed ID: 32464451). In vitro experimental studies using cell expression assays suggest this variant decreases factor XI protein secretion and expression (Pugh et al. 1995. PubMed ID: 7888672; O'Connell et al. 2005. PubMed ID: 15634276). This variant is reported in 0.016% of alleles in individuals of East Asian descent in gnomAD. This variant is interpreted as likely pathogenic.

GeneDx
Classification: Likely pathogenic. Last evaluated: 2026-02-08. Review status: criteria provided, single submitter. Criteria: GeneDx Variant Classification Process June 2021. Collection method: clinical testing. Allele origin: germline.
Comment: Observed with another variant in the compound heterozygous state in individuals with Factor XI deficiency in published literature (PMID: 18024374, 16835901, 27067486, 32464451); Published functional studies demonstrate a damaging effect: reduction of factor XI secretion compared to wild type (PMID: 7888672); In silico analysis suggests that this missense variant does not alter protein structure/function; Also known as E323K; This variant is associated with the following publications: (PMID: 7888672, 20308231, 23332144, 16835901, 19652879, 15634276, 27067486, 32464451, 37647632, 18024374)

Natera, Inc.
Classification: Likely pathogenic for Plasma factor XI deficiency. Last evaluated: 2025-12-09. Review status: criteria provided, single submitter. Criteria: Natera Variant Classification Schema (03/2026). Collection method: clinical testing. Allele origin: germline.
Comment: The c.1021G>A variant in F11 is a missense variant predicted to cause substitution of glutamic acid to lysine at amino acid 341. This variant is rare in the general population with a frequency below the threshold expected for the associated phenotype(s). This variant has been observed in one or more individuals affected with the associated recessive disease, as either homozygous or compound heterozygous with a second variant (PMID: 18024374, 32464451, 16835901, 27067486). Functional studies show that this variant may disrupt protein function (PMID: 7888672). Multiple computational prediction algorithms suggest this variant is unlikely to affect gene or protein function. Given the available evidence, this variant is classified as Likely Pathogenic.

Mayo Clinic Laboratories, Mayo Clinic
Classification: Pathogenic. Last evaluated: 2025-10-01. Review status: criteria provided, single submitter. Criteria: ACMG Guidelines, 2015. Collection method: clinical testing. Allele origin: germline. Observed: 2 variant alleles.
Comment: PM2_supporting, PM3, PS3, PS4

First Genomix Gene Laboratory, Genetic Diagnostics Department
Classification: Likely pathogenic for Hereditary factor XI deficiency disease. Last evaluated: 2025-08-22. Review status: criteria provided, single submitter. Criteria: ACMG Guidelines, 2015. Collection method: clinical testing. Allele origin: germline. Inheritance: Autosomal recessive inheritance. Affected: no. Observed: 1 variant allele.

UniProtKB/Swiss-Prot
No classification provided. Review status: no classification provided. Collection method: not provided. Allele origin: not provided. Not counted in ClinVar's aggregate classification.

Literature cited by the submitters: PubMed 18024374 (cited by Natera, Inc. and Mayo Clinic Laboratories, Mayo Clinic); PubMed 32464451 (cited by Natera, Inc. and Mayo Clinic Laboratories, Mayo Clinic); PubMed 16835901 (cited by Natera, Inc. and Mayo Clinic Laboratories, Mayo Clinic); PubMed 27067486 (cited by Natera, Inc. and Mayo Clinic Laboratories, Mayo Clinic); PubMed 7888672 (cited by Natera, Inc. and Mayo Clinic Laboratories, Mayo Clinic); PubMed 15182578 (cited by Mayo Clinic Laboratories, Mayo Clinic); PubMed 19652879 (cited by Mayo Clinic Laboratories, Mayo Clinic); PubMed 23332144 (cited by Mayo Clinic Laboratories, Mayo Clinic).